The following is an entry in ClinVar:

NM_002582.4(PARN):c.761A>T (p.Gln254Leu)

Gene: PARN (poly(A)-specific ribonuclease; minus strand). Cytogenetic location: 16p13.12.
Variant type: single nucleotide variant.
Coding change: c.761A>T on transcript NM_002582.4 (MANE Select); coding-DNA position 761, A replaced by T.
Protein change: p.Gln254Leu; replaces glutamine 254 with leucine.
Molecular consequence: missense variant.
Genome position (GRCh38, 1-based): chr16:14,604,168, T>A on the plus strand (A>T on the coding strand, the complement: PARN is on the minus strand). VCF-style: chr16-14604168-T-A. GRCh37 (hg19) VCF-style: chr16-14698025-T-A.
Other names: c.578A>T, p.Gln193Leu (NM_001134477.3); c.623A>T, p.Gln208Leu (NM_001242992.2); short protein forms Q193L, Q208L, Q254L.
Identifiers: ClinVar variation 2102819 (VCV002102819.4), dbSNP rs2508225439, ClinGen allele CA394807553.

ClinVar aggregate classification (germline): Uncertain significance (1 of 4 stars; one submission).

Conditions:
Dyskeratosis congenita, autosomal recessive 6 (DKCB6). Identifiers: MedGen C4225356, MONDO:0014600, OMIM 616353.
Pulmonary fibrosis and/or bone marrow failure, Telomere-related, 4. Also called: PULMONARY FIBROSIS AND/OR BONE MARROW FAILURE SYNDROME, TELOMERE-RELATED, 4. Identifiers: Orphanet 2032, MedGen C4225347, MONDO:0014612, OMIM 616371.

Allele frequency attached by ClinVar (database versions not stated): gnomAD exomes below 0.00001.
gnomAD v4.1: 1 of 1,602,014 alleles (0.000062%); highest among the groups gnomAD compares: Non-Finnish European, 0.000085%; no homozygotes.

Submission:

Labcorp Genetics (formerly Invitae), Labcorp
Classification: Uncertain significance for Dyskeratosis congenita, autosomal recessive 6; Pulmonary fibrosis and/or bone marrow failure, Telomere-related, 4. Last evaluated: 2022-02-24. Review status: criteria provided, single submitter. Criteria: Invitae Variant Classification Sherloc (09022015). Collection method: clinical testing. Allele origin: germline.
Comment: This variant is not present in population databases (gnomAD no frequency). This sequence change replaces glutamine, which is neutral and polar, with leucine, which is neutral and non-polar, at codon 254 of the PARN protein (p.Gln254Leu). This variant has not been reported in the literature in individuals affected with PARN-related conditions. In summary, the available evidence is currently insufficient to determine the role of this variant in disease. Therefore, it has been classified as a Variant of Uncertain Significance. Algorithms developed to predict the effect of missense changes on protein structure and function are either unavailable or do not agree on the potential impact of this missense change (SIFT: "Deleterious"; PolyPhen-2: "Benign"; Align-GVGD: "Class C25").